The following is an entry in ClinVar:

NM_206933.4(USH2A):c.13772T>C (p.Met4591Thr)

Gene: USH2A (usherin; minus strand). Cytogenetic location: 1q41.
Variant type: single nucleotide variant.
Coding change: c.13772T>C on transcript NM_206933.4 (MANE Select); coding-DNA position 13772, T replaced by C.
Protein change: p.Met4591Thr; replaces methionine 4591 with threonine.
Molecular consequence: missense variant.
Genome position (GRCh38, 1-based): chr1:215,674,139, A>G on the plus strand (T>C on the coding strand, the complement: USH2A is on the minus strand). VCF-style: chr1-215674139-A-G. GRCh37 (hg19) VCF-style: chr1-215847481-A-G.
Other names: p.Met4591Thr; short protein forms M4591T.
Identifiers: ClinVar variation 4542208 (VCV004542208.1).

ClinVar aggregate classification (germline): Uncertain significance (1 of 4 stars; one submission).

gnomAD v4.1: 30 of 1,614,048 alleles (0.0019%); highest among the groups gnomAD compares: Non-Finnish European, 0.0024%; no homozygotes.

Submission:

Mayo Clinic Laboratories, Mayo Clinic
Classification: Uncertain significance. Last evaluated: 2025-05-12. Review status: criteria provided, single submitter. Criteria: ACMG Guidelines, 2015. Collection method: clinical testing. Allele origin: germline. Observed: 1 variant allele.
Comment: BP4, PM2_moderate